The following is an entry in ClinVar:

ClinVar aggregate classification (germline): Likely benign. Review status: criteria provided, multiple submitters, no conflicts (2 of 4 stars). 3 submissions from 3 submitters: Likely benign (2). 1 of the submissions does not count toward it. Last evaluated 2025-07-23.

Conditions:
Cohen syndrome (COH1). Also called: Cutis verticis gyrata, retinitis pigmentosa, and sensorineural deafness; PEPPER SYNDROME. Identifiers: Orphanet 193, MedGen C0265223, MONDO:0008999, OMIM 216550.
VPS13B-related disorder. Also called: VPS13B-related condition.

Allele frequency attached by ClinVar (database versions not stated): gnomAD exomes below 0.00001.
gnomAD v4.1: 1 of 1,612,970 alleles (0.000062%); highest among the groups gnomAD compares: South Asian, 0.0011%; no homozygotes.

Submissions (3):

PreventionGenetics, part of Exact Sciences
Classification: Likely benign for VPS13B-related condition. Last evaluated: 2025-07-23. Review status: criteria provided, single submitter. Criteria: ACMG Guidelines, 2015. Collection method: clinical testing. Allele origin: germline.
Comment: This variant is classified as likely benign based on ACMG/AMP sequence variant interpretation guidelines (Richards et al. 2015 PMID: 25741868, with internal and published modifications).

Labcorp Genetics (formerly Invitae), Labcorp
Classification: Likely benign for Cohen syndrome. Last evaluated: 2024-11-05. Review status: criteria provided, single submitter. Criteria: Invitae Variant Classification Sherloc (09022015). Collection method: clinical testing. Allele origin: germline.

Natera, Inc.
Classification: Uncertain significance for Cohen syndrome. Last evaluated: 2020-10-01. Review status: no assertion criteria provided. Collection method: clinical testing. Allele origin: germline. Not counted in ClinVar's aggregate classification.

NM_152564.5(VPS13B):c.6672A>G (p.Gln2224=)

Gene: VPS13B (vacuolar protein sorting 13 homolog B; plus strand). Cytogenetic location: 8q22.2.
Variant type: single nucleotide variant.
Coding change: c.6672A>G on transcript NM_152564.5 (MANE Select); coding-DNA position 6672, A replaced by G.
Protein change: p.Gln2224=; no amino-acid change (glutamine 2224 retained).
Molecular consequence: synonymous variant.
Genome position (GRCh38, 1-based): chr8:99,720,359, A>G. VCF-style: chr8-99720359-A-G. GRCh37 (hg19) VCF-style: chr8-100732587-A-G.
Other names: c.6747A>G, p.Gln2249= (NM_017890.5); c.6672A>G (NM_152564.4).
Identifiers: ClinVar variation 1063633 (VCV001063633.13), dbSNP rs2130339813, ClinGen allele CA462440751.